The following is an entry in ClinVar:

ClinVar aggregate classification (germline): Pathogenic (1 of 4 stars; one submission).

Submission:

Labcorp Genetics (formerly Invitae), Labcorp
Classification: Pathogenic. Last evaluated: 2025-08-18. Review status: criteria provided, single submitter. Criteria: Invitae Variant Classification Sherloc (09022015). Collection method: clinical testing. Allele origin: germline.
Comment: This sequence change creates a premature translational stop signal (p.Leu492Profs*10) in the FH gene. While this is not anticipated to result in nonsense mediated decay, it is expected to disrupt the last 19 amino acid(s) of the FH protein. This variant is not present in population databases (gnomAD no frequency). This variant has not been reported in the literature in individuals affected with FH-related conditions. This variant disrupts a region of the FH protein in which other variant(s) (p.Leu507Pro) have been determined to be pathogenic (PMID: 12761039; internal data). This suggests that this is a clinically significant region of the protein, and that variants that disrupt it are likely to be disease-causing. For these reasons, this variant has been classified as Pathogenic.

Literature cited by the submitters: PubMed 12761039.

NM_000143.4(FH):c.1475del (p.Leu492fs)

Gene: FH (fumarate hydratase; minus strand). Cytogenetic location: 1q43.
Variant type: Deletion.
Coding change: c.1475del on transcript NM_000143.4 (MANE Select); coding-DNA position 1475, one base deleted (T; older notation c.1475delT).
Protein change: p.Leu492fs; shifts the reading frame from leucine 492.
Molecular consequence: frameshift variant.
Genome position (GRCh38, 1-based): chr1:241,497,886, A deleted on the plus strand (T on the coding strand, the reverse complement: FH is on the minus strand). VCF-style (leftmost placement, unchanged base first): chr1-241497885-GA-G. GRCh37 (hg19) VCF-style: chr1-241661185-GA-G.
Other names: short protein forms L492fs.
Identifiers: ClinVar variation 4725609 (VCV004725609.1).